The following is an entry in ClinVar:

ClinVar aggregate classification (germline): Uncertain significance (1 of 4 stars; one submission).

Allele frequency attached by ClinVar (database versions not stated): gnomAD exomes below 0.00001; TOPMed below 0.00001.
gnomAD v4.1: 3 of 1,614,056 alleles (0.00019%); highest among the groups gnomAD compares: Non-Finnish European, 0.00017%; no homozygotes.

Submission:

CeGaT Center for Human Genetics Tuebingen
Classification: Uncertain significance. Last evaluated: 2022-12-01. Review status: criteria provided, single submitter. Criteria: CeGaT Center For Human Genetics Tuebingen Variant Classification Criteria Version 2. Collection method: clinical testing. Allele origin: germline. Affected: yes. Observed: 1 variant allele.
Comment: GAD1: PM2, BP4

NM_000817.3(GAD1):c.1686G>A (p.Lys562=)

Gene: GAD1 (glutamate decarboxylase 1; plus strand). Cytogenetic location: 2q31.1.
Variant type: single nucleotide variant.
Coding change: c.1686G>A on transcript NM_000817.3 (MANE Select); coding-DNA position 1686, G replaced by A.
Protein change: p.Lys562=; no amino-acid change (lysine 562 retained).
Molecular consequence: synonymous variant.
Genome position (GRCh38, 1-based): chr2:170,859,783, G>A. VCF-style: chr2-170859783-G-A. GRCh37 (hg19) VCF-style: chr2-171716293-G-A.
Identifiers: ClinVar variation 2651540 (VCV002651540.24), dbSNP rs1702922099, ClinGen allele CA429766211.
Genomic context (GRCh38, chr2:170,859,783, plus strand): 5'-CAAAGCCCTGATGATGGAGTCAGGTACGACCATGGTTGGCTACCAGCCCCAAGGGGACAA[G>A]GCCAACTTCTTCCGGATGGTCATCTCCAACCCAGCCGCTACCCAGTCTGACATTGACTTC-3'
Protein context (NP_000808.2, residues 552-572): TMVGYQPQGD[Lys562=]ANFFRMVISN